The following is an entry in ClinVar:

ClinVar aggregate classification (germline): Likely benign (1 of 4 stars; one submission).

Conditions:
Cleft lip/palate-ectodermal dysplasia syndrome (CLPED1). Also called: ECTODERMAL DYSPLASIA, CLEFT LIP AND PALATE, MENTAL RETARDATION, AND SYNDACTYLY; ECTODERMAL DYSPLASIA, MARGARITA ISLAND TYPE; ECTODERMAL DYSPLASIA, TYPE 4; Zlotogora syndrome; ZLOTOGORA-OGUR SYNDROME. Identifiers: Orphanet 3253, MedGen C2931488, MONDO:0009151, OMIM 225060.

Allele frequency attached by ClinVar (database versions not stated): gnomAD exomes 0.00075; gnomAD 0.00680 and 0.00736; TOPMed 0.00831; 1000 Genomes Project 30x 0.02092; 1000 Genomes Project 0.02097.
gnomAD v4.1: 1,851 of 985,872 alleles (0.19%); highest among the groups gnomAD compares: East Asian, 5.5%; 28 homozygotes.

Submission:

Illumina Laboratory Services, Illumina
Classification: Likely benign for Cleft lip/palate-ectodermal dysplasia syndrome. Last evaluated: 2018-01-13. Review status: criteria provided, single submitter. Criteria: ICSL Variant Classification Criteria 13 December 2019. Collection method: clinical testing. Allele origin: germline.
Comment: This variant was observed in the ICSL laboratory as part of a predisposition screen in an ostensibly healthy population. It had not been previously curated by ICSL or reported in the Human Gene Mutation Database (HGMD: prior to June 1st, 2018), and was therefore a candidate for classification through an automated scoring system. Utilizing variant allele frequency, disease prevalence and penetrance estimates, and inheritance mode, an automated score was calculated to assess if this variant is too frequent to cause the disease. Based on the score and internal cut-off values, a variant classified as likely benign is not then subjected to further curation. The score for this variant resulted in a classification of likely benign for this disease.

NM_002855.5(NECTIN1):c.*3173G>A

Gene: NECTIN1 (nectin cell adhesion molecule 1; minus strand). Cytogenetic location: 11q23.3.
Variant type: single nucleotide variant.
Coding change: c.*3173G>A on transcript NM_002855.5 (MANE Select); 3173 bases downstream of the stop codon, G replaced by A.
Molecular consequence: 3 prime UTR variant. On other transcripts: intron variant (1).
Genome position (GRCh38, 1-based): chr11:119,661,574, C>T on the plus strand (G>A on the coding strand, the complement: NECTIN1 is on the minus strand). VCF-style: chr11-119661574-C-T. GRCh37 (hg19) VCF-style: chr11-119532284-C-T.
Other names: c.1003+13585G>A (NM_203285.2).
Identifiers: ClinVar variation 878881 (VCV000878881.5), dbSNP rs76459888, ClinGen allele CA229719117.